The following is an entry in ClinVar:

NM_001323289.2(CDKL5):c.2201_2204dup (p.Arg735delinsSerTer)

Gene: CDKL5 (cyclin dependent kinase like 5; plus strand). Cytogenetic location: Xp22.13.
Variant type: Duplication.
Coding change: c.2201_2204dup on transcript NM_001323289.2 (MANE Select); coding-DNA positions 2201 to 2204, 4 bases duplicated (CTAG; older notation c.2201_2204dupCTAG).
Protein change: p.Arg735delinsSerTer.
Molecular consequence: nonsense.
Genome position (GRCh38, 1-based): chrX:18,613,200-18,613,203, CTAG duplicated. VCF-style (leftmost placement, unchanged base first): chrX-18613199-A-ACTAG. GRCh37 (hg19) VCF-style: chrX-18631319-A-ACTAG.
Other names: c.2201_2204dup, p.Arg735delinsSerTer (NM_001037343.2, NM_003159.3).
Identifiers: ClinVar variation 1451942 (VCV001451942.6), dbSNP rs2147167570, ClinGen allele CA2573158480.
Genomic context (GRCh38, chrX:18,613,199, plus strand): 5'-TTTCTTTATTCAGTGCCATCTCCACGTCCAGACAATTCTTTCCATGAAAATAATGTGTCA[A>ACTAG]CTAGAGTTTCTTCTCTACCATCAGAGAGCAGTTCTGGAACCAACCACTCAAAAAGACAAC-3'

ClinVar aggregate classification (germline): Pathogenic (1 of 4 stars; one submission).

Conditions:
Angelman syndrome-like. Identifiers: MedGen CN128785.
Developmental and epileptic encephalopathy, 2 (DEE2). Also called: INFANTILE SPASM SYNDROME, X-LINKED 2; CDKL5 deficiency disorder. Identifiers: Orphanet 1934, Orphanet 3451, Orphanet 505652, MedGen C4750718, MONDO:0010396, OMIM 300672.

Submission:

Labcorp Genetics (formerly Invitae), Labcorp
Classification: Pathogenic for Developmental and epileptic encephalopathy, 2; Angelman syndrome-like. Last evaluated: 2022-07-26. Review status: criteria provided, single submitter. Criteria: Invitae Variant Classification Sherloc (09022015). Collection method: clinical testing. Allele origin: germline.
Comment: For these reasons, this variant has been classified as Pathogenic. Algorithms developed to predict the effect of sequence changes on RNA splicing suggest that this variant may create or strengthen a splice site. ClinVar contains an entry for this variant (Variation ID: 1451942). This variant has not been reported in the literature in individuals affected with CDKL5-related conditions. This variant is not present in population databases (gnomAD no frequency). This sequence change creates a premature translational stop signal (p.Arg735Serfs*2) in the CDKL5 gene. It is expected to result in an absent or disrupted protein product. Loss-of-function variants in CDKL5 are known to be pathogenic (PMID: 22872100).

Literature cited by the submitters: PubMed 22872100.